The following is an entry in ClinVar:

ClinVar aggregate classification (germline): Uncertain significance. Review status: criteria provided, multiple submitters, no conflicts (2 of 4 stars). 2 submissions from 2 submitters: Uncertain significance (2). Last evaluated 2025-08-01.

Conditions:
SERPINA1-related disorder. Also called: SERPINA1-related condition; SerpinA1-related disorders.

Allele frequency attached by ClinVar (database versions not stated): TOPMed 0.00001; ExAC 0.00002; gnomAD exomes 0.00002.
gnomAD v4.1: 7 of 1,614,080 alleles (0.00043%); highest among the groups gnomAD compares: Admixed American, 0.0067%; no homozygotes.

Submissions (2):

PreventionGenetics, part of Exact Sciences
Classification: Uncertain significance for SERPINA1-related condition. Last evaluated: 2025-08-01. Review status: criteria provided, single submitter. Criteria: ACMG Guidelines, 2015. Collection method: clinical testing. Allele origin: germline.
Comment: The SERPINA1 c.41G>T variant is predicted to result in the amino acid substitution p.Gly14Val. To our knowledge, this variant has not been reported in the literature. This variant is reported in 0.012% of alleles in individuals of Latino descent in gnomAD. At this time, the clinical significance of this variant is uncertain due to the absence of conclusive functional and genetic evidence.

Eurofins Ntd Llc (ga)
Classification: Uncertain significance. Last evaluated: 2017-11-01. Review status: criteria provided, single submitter. Criteria: EGL Classification Definitions 2015. Collection method: clinical testing. Allele origin: germline. Observed: 1 variant allele, 1 heterozygote.

NM_000295.5(SERPINA1):c.41G>T (p.Gly14Val)

Gene: SERPINA1 (serpin family A member 1; minus strand). Cytogenetic location: 14q32.13.
Variant type: single nucleotide variant.
Coding change: c.41G>T on transcript NM_000295.5 (MANE Select); coding-DNA position 41, G replaced by T.
Protein change: p.Gly14Val; replaces glycine 14 with valine.
Molecular consequence: missense variant.
Genome position (GRCh38, 1-based): chr14:94,383,197, C>A on the plus strand (G>T on the coding strand, the complement: SERPINA1 is on the minus strand). VCF-style: chr14-94383197-C-A. GRCh37 (hg19) VCF-style: chr14-94849534-C-A.
Other names: c.41G>T, p.Gly14Val (NM_001002235.3, NM_001002236.3, NM_001127700.2 and 7 more transcripts); c.41G>T (NM_000295.4); short protein forms G14V.
Identifiers: ClinVar variation 594769 (VCV000594769.6), dbSNP rs768352001, ClinGen allele CA7327564.